The following is an entry in ClinVar:

ClinVar aggregate classification (germline): Uncertain significance. Review status: criteria provided, multiple submitters, no conflicts (2 of 4 stars). 2 submissions from 2 submitters: Uncertain significance (2). Last evaluated 2025-12-22.

Conditions:
KSR2-related disorder. Also called: KSR2-related condition.

Allele frequency attached by ClinVar (database versions not stated): gnomAD 0.00001.
gnomAD v4.1: 40 of 1,613,074 alleles (0.0025%); highest among the groups gnomAD compares: South Asian, 0.043%; no homozygotes.

Submissions (2):

PreventionGenetics, part of Exact Sciences
Classification: Uncertain significance for KSR2-related condition. Last evaluated: 2025-12-22. Review status: criteria provided, single submitter. Criteria: ACMG Guidelines, 2015. Collection method: clinical testing. Allele origin: germline.
Comment: The KSR2 c.141G>C variant is predicted to result in the amino acid substitution p.Lys47Asn. To our knowledge, this variant has not been reported in the literature. This variant is reported in 0.033% of alleles in individuals of South Asian descent in gnomAD. At this time, the clinical significance of this variant is uncertain due to the absence of conclusive functional and genetic evidence.

Ambry Genetics
Classification: Uncertain significance. Last evaluated: 2023-02-14. Review status: criteria provided, single submitter. Criteria: Ambry Variant Classification Scheme 2023. Collection method: clinical testing. Allele origin: germline.

NM_173598.6(KSR2):c.228G>C (p.Lys76Asn)

Gene: KSR2 (kinase suppressor of ras 2; minus strand). Cytogenetic location: 12q24.23.
Variant type: single nucleotide variant.
Coding change: c.228G>C on transcript NM_173598.6 (MANE Select); coding-DNA position 228, G replaced by C.
Protein change: p.Lys76Asn; replaces lysine 76 with asparagine.
Molecular consequence: missense variant.
Genome position (GRCh38, 1-based): chr12:117,860,384, C>G on the plus strand (G>C on the coding strand, the complement: KSR2 is on the minus strand). VCF-style: chr12-117860384-C-G. GRCh37 (hg19) VCF-style: chr12-118298189-C-G.
Other names: short protein forms K76N.
Identifiers: ClinVar variation 2462726 (VCV002462726.3), dbSNP rs773216968, ClinGen allele CA6816413.